The following is an entry in ClinVar:

NM_177438.3(DICER1):c.2350G>T (p.Glu784Ter)

Gene: DICER1 (dicer 1, ribonuclease III; minus strand). Cytogenetic location: 14q32.13.
Variant type: single nucleotide variant.
Coding change: c.2350G>T on transcript NM_177438.3 (MANE Select); coding-DNA position 2350, G replaced by T.
Protein change: p.Glu784Ter; replaces glutamic acid 784 with a stop codon.
Molecular consequence: nonsense.
Genome position (GRCh38, 1-based): chr14:95,108,410, C>A on the plus strand (G>T on the coding strand, the complement: DICER1 is on the minus strand). VCF-style: chr14-95108410-C-A. GRCh37 (hg19) VCF-style: chr14-95574747-C-A.
Other names: c.2350G>T, p.Glu784Ter (NM_001195573.1, NM_001271282.3, NM_001291628.2 and 1 more transcripts); short protein forms E784*.
Identifiers: ClinVar variation 429139 (VCV000429139.9), dbSNP rs1131691210, ClinGen allele CA390882234.

ClinVar aggregate classification (germline): Pathogenic. Review status: criteria provided, multiple submitters, no conflicts (2 of 4 stars). 2 submissions from 2 submitters: Pathogenic (2). Last evaluated 2024-12-19.

Conditions:
Hereditary cancer-predisposing syndrome. Also called: Hereditary neoplastic syndrome; Tumor predisposition; Neoplastic Syndromes, Hereditary; Hereditary Cancer Syndrome. Identifiers: Orphanet 140162, MedGen C0027672, MeSH D009386, MONDO:0015356.
DICER1-related tumor predisposition. Also called: DICER1-related pleuropulmonary blastoma cancer predisposition syndrome; DICER1 syndrome. Identifiers: Orphanet 284343, MedGen C3839822, MONDO:0100216.

Submissions (2):

Labcorp Genetics (formerly Invitae), Labcorp
Classification: Pathogenic for DICER1-related tumor predisposition. Last evaluated: 2024-12-19. Review status: criteria provided, single submitter. Criteria: Invitae Variant Classification Sherloc (09022015). Collection method: clinical testing. Allele origin: germline.
Comment: This sequence change creates a premature translational stop signal (p.Glu784*) in the DICER1 gene. It is expected to result in an absent or disrupted protein product. Loss-of-function variants in DICER1 are known to be pathogenic (PMID: 19556464, 21266384). This variant is not present in population databases (gnomAD no frequency). This variant has not been reported in the literature in individuals affected with DICER1-related conditions. ClinVar contains an entry for this variant (Variation ID: 429139). RNA analysis performed to evaluate the impact of this premature translational stop signal on mRNA splicing indicates it does not significantly alter splicing (internal data). For these reasons, this variant has been classified as Pathogenic.

Ambry Genetics
Classification: Pathogenic for Hereditary cancer-predisposing syndrome. Last evaluated: 2024-05-28. Review status: criteria provided, single submitter. Criteria: Ambry Variant Classification Scheme 2023. Collection method: clinical testing. Allele origin: germline.
Comment: The p.E784* pathogenic mutation (also known as c.2350G>T), located in coding exon 14 of the DICER1 gene, results from a G to T substitution at nucleotide position 2350. This changes the amino acid from a glutamic acid to a stop codon within coding exon 14. This variant is considered to be rare based on population cohorts in the Genome Aggregation Database (gnomAD). This alteration is expected to result in loss of function by premature protein truncation or nonsense-mediated mRNA decay. As such, this alteration is interpreted as a disease-causing mutation.

Literature cited by the submitters: PubMed 19556464 (cited by Labcorp Genetics (formerly Invitae), Labcorp); PubMed 21266384 (cited by Labcorp Genetics (formerly Invitae), Labcorp).